The following is an entry in ClinVar:

ClinVar aggregate classification (germline): Uncertain significance (1 of 4 stars; one submission).

Conditions:
Hereditary cancer-predisposing syndrome. Also called: Neoplastic Syndromes, Hereditary; Tumor predisposition; Hereditary Cancer Syndrome; Hereditary neoplastic syndrome. Identifiers: Orphanet 140162, MedGen C0027672, MeSH D009386, MONDO:0015356.

Submission:

Ambry Genetics
Classification: Uncertain significance for Hereditary cancer-predisposing syndrome. Last evaluated: 2021-12-11. Review status: criteria provided, single submitter. Criteria: Ambry Variant Classification Scheme 2023. Collection method: clinical testing. Allele origin: germline.
Comment: The p.K526Q variant (also known as c.1576A>C), located in coding exon 5 of the AXIN2 gene, results from an A to C substitution at nucleotide position 1576. The lysine at codon 526 is replaced by glutamine, an amino acid with similar properties. This amino acid position is conserved. In addition, this alteration is predicted to be tolerated by in silico analysis. Since supporting evidence is limited at this time, the clinical significance of this alteration remains unclear.

NM_004655.4(AXIN2):c.1576A>C (p.Lys526Gln)

Gene: AXIN2 (axin 2; minus strand). Cytogenetic location: 17q24.1.
Variant type: single nucleotide variant.
Coding change: c.1576A>C on transcript NM_004655.4 (MANE Select); coding-DNA position 1576, A replaced by C.
Protein change: p.Lys526Gln; replaces lysine 526 with glutamine.
Molecular consequence: missense variant.
Genome position (GRCh38, 1-based): chr17:65,537,460, T>G on the plus strand (A>C on the coding strand, the complement: AXIN2 is on the minus strand). VCF-style: chr17-65537460-T-G. GRCh37 (hg19) VCF-style: chr17-63533578-T-G.
Other names: c.1576A>C, p.Lys526Gln (NM_001363813.1); short protein forms K526Q.
Identifiers: ClinVar variation 1775592 (VCV001775592.2), dbSNP rs1598098753, ClinGen allele CA400677231.